The following is an entry in ClinVar:

ClinVar aggregate classification (germline): Pathogenic. Review status: criteria provided, multiple submitters, no conflicts (2 of 4 stars). 5 submissions from 5 submitters: Pathogenic (4). 1 of the submissions does not count toward it. Last evaluated 2023-07-26.

Conditions:
Malaria, susceptibility to. Identifiers: Orphanet 673, MedGen C1970028, MONDO:0021024, OMIM 611162.
Anemia, nonspherocytic hemolytic, due to G6PD deficiency (CNSHA1). Also called: Class I glucose-6-phosphate dehydrogenase deficiency; Favism, susceptibility to; ANEMIA, CONGENITAL, NONSPHEROCYTIC HEMOLYTIC, 1; Hemolytic anemia due to G6PD deficiency. Identifiers: Orphanet 466026, MedGen C2720289, MONDO:0010480, OMIM 300908.
G6PD NANKANG.

Allele frequency attached by ClinVar (database versions not stated): gnomAD exomes below 0.00001 and 0.00001; TOPMed below 0.00001; ExAC 0.00001.

Submissions (5):

Baylor Genetics
Classification: Pathogenic for Malaria, susceptibility to. Last evaluated: 2023-07-26. Review status: criteria provided, single submitter. Criteria: ACMG Guidelines, 2015. Collection method: clinical testing. Allele origin: unknown.

Dunham Lab, University of Washington
Classification: Pathogenic for Anemia, nonspherocytic hemolytic, due to G6PD deficiency. Last evaluated: 2022-08-12. Review status: criteria provided, single submitter. Criteria: Bayesian ACMG Guidelines, 2018. Collection method: curation. Allele origin: unknown. Affected: yes.
Comment: Variant found in unrelated hemizygotes with deficiency, some with jaundice (PS4_M, PP4). Decreased activity in red blood cells (5-33%) (PS3). Below expected carrier frequency in gnomAD (PM2). Reported as pathogenic by Invitae (PP5). Post_P 0.994 (odds of pathogenicity 1517, Prior_P 0.1).

Labcorp Genetics (formerly Invitae), Labcorp
Classification: Pathogenic for Anemia, nonspherocytic hemolytic, due to G6PD deficiency. Last evaluated: 2022-07-11. Review status: criteria provided, single submitter. Criteria: Invitae Variant Classification Sherloc (09022015). Collection method: clinical testing. Allele origin: germline.
Comment: For these reasons, this variant has been classified as Pathogenic. Advanced modeling of protein sequence and biophysical properties (such as structural, functional, and spatial information, amino acid conservation, physicochemical variation, residue mobility, and thermodynamic stability) performed at Invitae indicates that this missense variant is expected to disrupt G6PD protein function. ClinVar contains an entry for this variant (Variation ID: 10407). This variant is also known as G6PD NanKang. This missense change has been observed in individual(s) with G6PD deficiency (PMID: 16329560, 20582980, 30045279). This variant is present in population databases (rs137852343, gnomAD 0.02%). This sequence change replaces phenylalanine, which is neutral and non-polar, with leucine, which is neutral and non-polar, at codon 173 of the G6PD protein (p.Phe173Leu).

Juno Genomics, Hangzhou Juno Genomics, Inc
Classification: Pathogenic for Anemia, nonspherocytic hemolytic, due to G6PD deficiency; Malaria, susceptibility to. Review status: criteria provided, single submitter. Criteria: ACMG Guidelines, 2015. Collection method: clinical testing. Allele origin: germline.
Comment: Absent from controls (or at extremely low frequency if recessive) in Genome Aggregation Database.;The prevalence of the variant in affected individuals is significantly increased compared to the prevalence in controls.;Patient's phenotype or family history is highly specific for a disease with a single genetic etiology.;Well-established in vitro or in vivo functional studies supportive of a damaging effect on the gene or gene product.

OMIM
Classification: other for G6PD NANKANG. Last evaluated: 2013-04-18. Review status: no assertion criteria provided. Collection method: literature only. Allele origin: germline. Not counted in ClinVar's aggregate classification.

Literature cited by the submitters: PubMed 16329560 (cited by Dunham Lab, University of Washington and Labcorp Genetics (formerly Invitae), Labcorp); PubMed 30045279 (cited by Dunham Lab, University of Washington and Labcorp Genetics (formerly Invitae), Labcorp); PubMed 8807322 (cited by Dunham Lab, University of Washington and OMIM); PubMed 31489982 (cited by Dunham Lab, University of Washington); PubMed 30077011 (cited by Dunham Lab, University of Washington); PubMed 20582980 (cited by Labcorp Genetics (formerly Invitae), Labcorp).

NM_000402.4(G6PD):c.607T>C (p.Phe203Leu)

Gene: G6PD (glucose-6-phosphate dehydrogenase; minus strand). Cytogenetic location: Xq28.
Variant type: single nucleotide variant.
Coding change: c.607T>C on transcript NM_000402.4; coding-DNA position 607, T replaced by C.
Protein change: p.Phe203Leu; replaces phenylalanine 203 with leucine.
Molecular consequence: missense variant.
Genome position (GRCh38, 1-based): chrX:154,534,465, A>G on the plus strand (T>C on the coding strand, the complement: G6PD is on the minus strand). VCF-style: chrX-154534465-A-G. GRCh37 (hg19) VCF-style: chrX-153762680-A-G.
Other names: G6PD, PHE173LEU; G6PD Nankang; c.517T>C, p.Phe173Leu (NM_001042351.3, NM_001360016.2); short protein forms F173L, F203L.
Identifiers: ClinVar variation 10407 (VCV000010407.14), dbSNP rs137852343, ClinGen allele CA121033.
Genomic context (GRCh38, chrX:154,534,465, plus strand): 5'-CACGGAACAGGGAGGAGATGTGGTTGGACAGCCGGTCAGAGCTCTGCAGGTCCCTCCCGA[A>G]GGGCTTCTCCACGATGATGCGGTTCCAGCCTCTGCTGGGAGCCCGGAGCTGCGTTACCCC-3'